The following is an entry in ClinVar:

NM_004380.3(CREBBP):c.2501A>G (p.Asn834Ser)

Gene: CREBBP (CREB binding lysine acetyltransferase; minus strand). Cytogenetic location: 16p13.3.
Variant type: single nucleotide variant.
Coding change: c.2501A>G on transcript NM_004380.3 (MANE Select); coding-DNA position 2501, A replaced by G.
Protein change: p.Asn834Ser; replaces asparagine 834 with serine.
Molecular consequence: missense variant.
Genome position (GRCh38, 1-based): chr16:3,770,949, T>C on the plus strand (A>G on the coding strand, the complement: CREBBP is on the minus strand). VCF-style: chr16-3770949-T-C. GRCh37 (hg19) VCF-style: chr16-3820950-T-C.
Other names: c.2387A>G, p.Asn796Ser (NM_001079846.1); short protein forms N834S, N796S.
Identifiers: ClinVar variation 1792257 (VCV001792257.7), dbSNP rs1205756499, ClinGen allele CA394551905.

ClinVar aggregate classification (germline): Conflicting classifications of pathogenicity. Review status: criteria provided, conflicting classifications (1 of 4 stars). 2 submissions from 2 submitters: Uncertain significance (1); Likely benign (1). Last evaluated 2025-03-12.

Conditions:
Inborn genetic diseases. Identifiers: MedGen C0950123, MeSH D030342.
Rubinstein-Taybi syndrome (RSTS). Identifiers: Orphanet 783, MedGen C0035934, MONDO:0019188.

Allele frequency attached by ClinVar (database versions not stated): TOPMed below 0.00001; gnomAD 0.00001; gnomAD exomes 0.00001.
gnomAD v4.1: 5 of 1,613,514 alleles (0.00031%); highest among the groups gnomAD compares: Admixed American, 0.0083%; no homozygotes.

Submissions (2):

Labcorp Genetics (formerly Invitae), Labcorp
Classification: Likely benign for Rubinstein-Taybi syndrome. Last evaluated: 2025-03-12. Review status: criteria provided, single submitter. Criteria: Invitae Variant Classification Sherloc (09022015). Collection method: clinical testing. Allele origin: germline.

Ambry Genetics
Classification: Uncertain significance for Inborn genetic diseases. Last evaluated: 2018-06-20. Review status: criteria provided, single submitter. Criteria: Ambry Variant Classification Scheme 2023. Collection method: clinical testing. Allele origin: germline.
Comment: The p.N834S variant (also known as c.2501A>G), located in coding exon 14 of the CREBBP gene, results from an A to G substitution at nucleotide position 2501. The asparagine at codon 834 is replaced by serine, an amino acid with highly similar properties. This amino acid position is well conserved in available vertebrate species. In addition, this alteration is predicted to be tolerated by in silico analysis. Since supporting evidence is limited at this time, the clinical significance of this alteration remains unclear.